The following is an entry in ClinVar:

ClinVar aggregate classification (germline): Pathogenic (1 of 4 stars; one submission).

Submission:

GeneDx
Classification: Pathogenic. Last evaluated: 2022-09-19. Review status: criteria provided, single submitter. Criteria: GeneDx Variant Classification Process June 2021. Collection method: clinical testing. Allele origin: germline. Affected: yes.
Comment: Nonsense variant predicted to result in protein truncation or nonsense mediated decay in a gene for which loss of function is a known mechanism of disease; Not observed at significant frequency in large population cohorts (gnomAD); Has not been previously published as pathogenic or benign to our knowledge

NM_001007553.3(CSDE1):c.161C>G (p.Ser54Ter)

Gene: CSDE1 (cold shock domain containing E1; minus strand). Cytogenetic location: 1p13.2.
Variant type: single nucleotide variant.
Coding change: c.161C>G on transcript NM_001007553.3 (MANE Select); coding-DNA position 161, C replaced by G.
Protein change: p.Ser54Ter; replaces serine 54 with a stop codon.
Molecular consequence: nonsense.
Genome position (GRCh38, 1-based): chr1:114,739,730, G>C on the plus strand (C>G on the coding strand, the complement: CSDE1 is on the minus strand). VCF-style: chr1-114739730-G-C. GRCh37 (hg19) VCF-style: chr1-115282351-G-C.
Other names: c.299C>G, p.Ser100Ter (NM_001130523.3, NM_001242891.2); c.161C>G, p.Ser54Ter (NM_001242892.2, NM_001242893.2, NM_007158.6); short protein forms S100*, S54*.
Identifiers: ClinVar variation 1302055 (VCV001302055.3), dbSNP rs2101056946, ClinGen allele CA341760156.